The following is an entry in ClinVar:

ClinVar aggregate classification (germline): Likely benign (1 of 4 stars; one submission).

Submission:

Molecular Diagnostic Laboratory for Inherited Cardiovascular Disease, Montreal Heart Institute
Classification: Likely benign. Last evaluated: 2026-09-21. Review status: criteria provided, single submitter. Criteria: ACMG Guidelines, 2015. Collection method: clinical testing. Allele origin: germline. Affected: no.
Comment: BP7

NM_001267550.2(TTN):c.81268C>A (p.Leu27090Ile)

Genes: TTN (titin; minus strand), TTN-AS1 (TTN antisense RNA 1; plus strand). Cytogenetic location: 2q31.2.
Variant type: single nucleotide variant.
Coding change: c.81268C>A on transcript NM_001267550.2 (MANE Select); coding-DNA position 81268, C replaced by A.
Protein change: p.Leu27090Ile; replaces leucine 27090 with isoleucine.
Molecular consequence: missense variant.
Genome position (GRCh38, 1-based): chr2:178,564,864, G>T on the plus strand (C>A on the coding strand, the complement: TTN is on the minus strand). VCF-style: chr2-178564864-G-T. GRCh37 (hg19) VCF-style: chr2-179429591-G-T.
Other names: c.54649C>A, p.Leu18217Ile (NM_133437.4); c.76345C>A, p.Leu25449Ile (NM_001256850.1); c.54073C>A, p.Leu18025Ile (NM_003319.4); c.73564C>A, p.Leu24522Ile (NM_133378.4); c.54448C>A, p.Leu18150Ile (NM_133432.3); short protein forms L18025I, L18150I, L18217I, L24522I, L25449I, L27090I.
Identifiers: ClinVar variation 5037782 (VCV005037782.1).